The following is an entry in ClinVar:

ClinVar aggregate classification (germline): Pathogenic. Review status: criteria provided, multiple submitters, no conflicts (2 of 4 stars). 2 submissions from 2 submitters: Pathogenic (2). Last evaluated 2018-12-03.

Conditions:
Bethlem myopathy 1A. Also called: Bethlem Muscular Dystrophy; MYOPATHY, BENIGN CONGENITAL, WITH CONTRACTURES; Bethlem myopathy 1. Identifiers: Orphanet 610, MedGen CN029274, MONDO:0024530, OMIM 158810.

Submissions (2):

Labcorp Genetics (formerly Invitae), Labcorp
Classification: Pathogenic for Bethlem myopathy 1A. Last evaluated: 2018-12-03. Review status: criteria provided, single submitter. Criteria: Invitae Variant Classification Sherloc (09022015). Collection method: clinical testing. Allele origin: germline.
Comment: For these reasons, this variant has been classified as Pathogenic. Donor and acceptor splice site variants typically lead to a loss of protein function (PMID: 16199547), and loss-of-function variants in COL6A1 are known to be pathogenic (PMID: 21280092, 20976770). In addition, donor and acceptor splice site variants in COL6A1 that result in in-frame exon skipping have also been reported to cause autosomal dominant COL6A1-related conditions (PMID: 18366090). Disruption of this splice site has been observed in individuals with Bethlem myopathy and to segregate with Bethlem myopathy in a family (PMID: 28688748, 9580662). ClinVar contains an entry for this variant (Variation ID: 290490). This variant is not present in population databases (ExAC no frequency). This sequence change affects an acceptor splice site in intron 11 of the COL6A1 gene. It is expected to disrupt RNA splicing and likely results in an absent or disrupted protein product.

Eurofins Ntd Llc (ga)
Classification: Pathogenic. Last evaluated: 2016-09-26. Review status: criteria provided, single submitter. Criteria: EGL Classification Definitions 2015. Collection method: clinical testing. Allele origin: germline. Observed: 1 variant allele, 1 heterozygote.

Literature cited by the submitters: PubMed 16199547 (cited by Labcorp Genetics (formerly Invitae), Labcorp); PubMed 21280092 (cited by Labcorp Genetics (formerly Invitae), Labcorp); PubMed 20976770 (cited by Labcorp Genetics (formerly Invitae), Labcorp); PubMed 18366090 (cited by Labcorp Genetics (formerly Invitae), Labcorp); PubMed 28688748 (cited by Labcorp Genetics (formerly Invitae), Labcorp); PubMed 9580662 (cited by Labcorp Genetics (formerly Invitae), Labcorp).

NM_001848.3(COL6A1):c.931-1G>C

Gene: COL6A1 (collagen type VI alpha 1 chain; plus strand). Cytogenetic location: 21q22.3.
Variant type: single nucleotide variant.
Coding change: c.931-1G>C on transcript NM_001848.3 (MANE Select); the canonical splice acceptor site of the intron before coding-DNA position 931, G replaced by C.
Molecular consequence: splice acceptor variant.
Genome position (GRCh38, 1-based): chr21:45,990,257, G>C. VCF-style: chr21-45990257-G-C. GRCh37 (hg19) VCF-style: chr21-47410171-G-C.
Identifiers: ClinVar variation 290490 (VCV000290490.14), dbSNP rs886042354, ClinGen allele CA10606786.
Genomic context (GRCh38, chr21:45,990,257, plus strand): 5'-CAGGCTTGCCCTGCCCTCCCCACCCCAAATACCCCCTCACACCCGCTTCCTGTCTCCGCA[G>C]GGCTCCAGGGGACCCAAGGGCTACAAGGTGAGCGTGGGCTGCTGGGAGGGGGGAGTTCTG-3'